The following is an entry in ClinVar:

ClinVar aggregate classification (germline): Uncertain significance. Review status: criteria provided, multiple submitters, no conflicts (2 of 4 stars). 2 submissions from 2 submitters: Uncertain significance (2). Last evaluated 2026-05-13.

Conditions:
Cowden syndrome 6 (CWS6). Identifiers: Orphanet 201, MedGen C3554519, MONDO:0014048, OMIM 615109.
Inborn genetic diseases. Identifiers: MedGen C0950123, MeSH D030342.

Allele frequency attached by ClinVar (database versions not stated): gnomAD exomes 0.00001 and below 0.00001; ExAC 0.00001; gnomAD 0.00002; TOPMed 0.00002.

Submissions (2):

Ambry Genetics
Classification: Uncertain significance for Inborn genetic diseases. Last evaluated: 2026-05-13. Review status: criteria provided, single submitter. Criteria: Ambry Variant Classification Scheme 2023. Collection method: clinical testing. Allele origin: germline.
Comment: The c.1243C>T (p.H415Y) alteration is located in exon 13 (coding exon 11) of the AKT1 gene. This alteration results from a C to T substitution at nucleotide position 1243, causing the histidine (H) at amino acid position 415 to be replaced by a tyrosine (Y). Based on data from gnomAD, the T allele has an overall frequency of 0.001% (3/282662) total alleles studied. The highest observed frequency was 0.008% (2/24944) of African alleles. Based on insufficient or conflicting evidence, the clinical significance of this alteration remains unclear.

Labcorp Genetics (formerly Invitae), Labcorp
Classification: Uncertain significance for Cowden syndrome 6. Last evaluated: 2022-09-23. Review status: criteria provided, single submitter. Criteria: Invitae Variant Classification Sherloc (09022015). Collection method: clinical testing. Allele origin: germline.
Comment: This sequence change replaces histidine, which is basic and polar, with tyrosine, which is neutral and polar, at codon 415 of the AKT1 protein (p.His415Tyr). This variant is present in population databases (rs777696700, gnomAD 0.008%). This variant has not been reported in the literature in individuals affected with AKT1-related conditions. ClinVar contains an entry for this variant (Variation ID: 1442307). Algorithms developed to predict the effect of missense changes on protein structure and function (SIFT, PolyPhen-2, Align-GVGD) all suggest that this variant is likely to be tolerated. Algorithms developed to predict the effect of sequence changes on RNA splicing suggest that this variant may create or strengthen a splice site. In summary, the available evidence is currently insufficient to determine the role of this variant in disease. Therefore, it has been classified as a Variant of Uncertain Significance.

NM_001382430.1(AKT1):c.1243C>T (p.His415Tyr)

Gene: AKT1 (AKT serine/threonine kinase 1; minus strand). Cytogenetic location: 14q32.33.
Variant type: single nucleotide variant.
Coding change: c.1243C>T on transcript NM_001382430.1 (MANE Select); coding-DNA position 1243, C replaced by T.
Protein change: p.His415Tyr; replaces histidine 415 with tyrosine.
Molecular consequence: missense variant.
Genome position (GRCh38, 1-based): chr14:104,772,382, G>A on the plus strand (C>T on the coding strand, the complement: AKT1 is on the minus strand). VCF-style: chr14-104772382-G-A. GRCh37 (hg19) VCF-style: chr14-105238719-G-A.
Other names: c.1243C>T, p.His415Tyr (NM_001014431.2, NM_001014432.2, NM_001382431.1 and 3 more transcripts); short protein forms H415Y.
Identifiers: ClinVar variation 1442307 (VCV001442307.10), dbSNP rs777696700, ClinGen allele CA7374520.